The following is an entry in ClinVar:

ClinVar aggregate classification (germline): Uncertain significance (1 of 4 stars; one submission).

Submission:

GeneDx
Classification: Uncertain significance. Last evaluated: 2024-05-26. Review status: criteria provided, single submitter. Criteria: GeneDx Variant Classification Process June 2021. Collection method: clinical testing. Allele origin: germline. Affected: yes.
Comment: Not observed at significant frequency in large population cohorts (gnomAD); In silico analysis supports that this missense variant has a deleterious effect on protein structure/function; Has not been previously published as pathogenic or benign to our knowledge

NM_000158.4(GBE1):c.382C>A (p.Pro128Thr)

Gene: GBE1 (1,4-alpha-glucan branching enzyme 1; minus strand). Cytogenetic location: 3p12.2.
Variant type: single nucleotide variant.
Coding change: c.382C>A on transcript NM_000158.4 (MANE Select); coding-DNA position 382, C replaced by A.
Protein change: p.Pro128Thr; replaces proline 128 with threonine.
Molecular consequence: missense variant.
Genome position (GRCh38, 1-based): chr3:81,670,885, G>T on the plus strand (C>A on the coding strand, the complement: GBE1 is on the minus strand). VCF-style: chr3-81670885-G-T. GRCh37 (hg19) VCF-style: chr3-81720036-G-T.
Other names: short protein forms P128T.
Identifiers: ClinVar variation 3383596 (VCV003383596.1).
Genomic context (GRCh38, chr3:81,670,885, plus strand): 5'-GGGAGGAAAGTACCTTTAATTTGGATCCATGAGGCACGAGTACAGATTTATTCTGCTTTG[G>T]TGGGATATACAGCTCCCATTTTCCATAATCCAGTTTTTTGTATGGGTACGAAAATGGATT-3'
Protein context (NP_000149.4, residues 118-138): DYGKWELYIP[Pro128Thr]KQNKSVLVPH